The following is an entry in ClinVar:

NM_054027.6(ANKH):c.288C>T (p.Ile96=)

Gene: ANKH (ANKH inorganic pyrophosphate transport regulator; minus strand). Cytogenetic location: 5p15.2.
Variant type: single nucleotide variant.
Coding change: c.288C>T on transcript NM_054027.6 (MANE Select); coding-DNA position 288, C replaced by T.
Protein change: p.Ile96=; no amino-acid change (isoleucine 96 retained).
Molecular consequence: synonymous variant.
Genome position (GRCh38, 1-based): chr5:14,769,000, G>A on the plus strand (C>T on the coding strand, the complement: ANKH is on the minus strand). VCF-style: chr5-14769000-G-A. GRCh37 (hg19) VCF-style: chr5-14769109-G-A.
Identifiers: ClinVar variation 351560 (VCV000351560.18), dbSNP rs373730199, ClinGen allele CA3209178.

ClinVar aggregate classification (germline): Benign/Likely benign. Review status: criteria provided, multiple submitters, no conflicts (2 of 4 stars). 7 submissions from 6 submitters: Benign (3); Likely benign (3). 1 of the submissions does not count toward it. Last evaluated 2025-12-06.

Conditions:
Craniometaphyseal dysplasia, autosomal dominant (CMDD). Identifiers: Orphanet 1522, MedGen C1852502, MONDO:0007397, OMIM 123000.
Chondrocalcinosis 2. Also called: CALCIUM GOUT; CALCIUM PYROPHOSPHATE ARTHROPATHY; Familial calcium pyrophosphate deposition. Identifiers: Orphanet 1416, MedGen C0856830, MONDO:0007319, OMIM 118600.
ANKH-related disorder. Also called: ANKH-related condition; ANKH-Related Disorders.

Allele frequency attached by ClinVar (database versions not stated): gnomAD exomes 0.00001 and 0.00006; gnomAD 0.00004 and 0.00005; TOPMed 0.00005; ExAC 0.00007.
gnomAD v4.1: 58 of 1,614,098 alleles (0.0036%); highest among the groups gnomAD compares: East Asian, 0.042%; 1 homozygote.

Submissions (7):

Labcorp Genetics (formerly Invitae), Labcorp
Classification: Likely benign. Last evaluated: 2025-12-06. Review status: criteria provided, single submitter. Criteria: Invitae Variant Classification Sherloc (09022015). Collection method: clinical testing. Allele origin: germline.

Blueprint Genetics
Classification: Likely benign. Last evaluated: 2023-09-11. Review status: criteria provided, single submitter. Criteria: ACMG Guidelines, 2015. Collection method: clinical testing. Allele origin: germline.

Genome-Nilou Lab
Classification: Benign for Craniometaphyseal dysplasia, autosomal dominant. Last evaluated: 2021-12-05. Review status: criteria provided, single submitter. Criteria: ACMG Guidelines, 2015. Collection method: clinical testing. Allele origin: germline. Affected: no.

GeneDx
Classification: Likely benign. Last evaluated: 2020-09-25. Review status: criteria provided, single submitter. Criteria: GeneDx Variant Classification Process June 2021. Collection method: clinical testing. Allele origin: germline. Affected: yes.

Illumina Laboratory Services, Illumina
Classification: Benign for Craniometaphyseal dysplasia, autosomal dominant. Last evaluated: 2018-01-12. Review status: criteria provided, single submitter. Criteria: ICSL Variant Classification Criteria 13 December 2019. Collection method: clinical testing. Allele origin: germline.
Comment: This variant was observed in the ICSL laboratory as part of a predisposition screen in an ostensibly healthy population. It had not been previously curated by ICSL or reported in the Human Gene Mutation Database (HGMD: prior to June 1st, 2018), and was therefore a candidate for classification through an automated scoring system. Utilizing variant allele frequency, disease prevalence and penetrance estimates, and inheritance mode, an automated score was calculated to assess if this variant is too frequent to cause the disease. Based on the score and internal cut-off values, a variant classified as benign is not then subjected to further curation. The score for this variant resulted in a classification of benign for this disease.

Illumina Laboratory Services, Illumina
Classification: Benign for Chondrocalcinosis 2. Last evaluated: 2018-01-12. Review status: criteria provided, single submitter. Criteria: ICSL Variant Classification Criteria 13 December 2019. Collection method: clinical testing. Allele origin: germline.
Comment: the same text as in the submission from Illumina Laboratory Services, Illumina above.

PreventionGenetics, part of Exact Sciences
Classification: Likely benign for ANKH-related condition. Last evaluated: 2019-05-15. Review status: no assertion criteria provided. Collection method: clinical testing. Allele origin: germline. Not counted in ClinVar's aggregate classification.
Comment: This variant is classified as likely benign based on ACMG/AMP sequence variant interpretation guidelines (Richards et al. 2015 PMID: 25741868, with internal and published modifications).